The following is an entry in ClinVar:

NM_022828.5(YTHDC2):c.676-8T>C

Gene: YTHDC2 (YTH N6-methyladenosine RNA binding protein C2; plus strand). Cytogenetic location: 5q22.2.
Variant type: single nucleotide variant.
Coding change: c.676-8T>C on transcript NM_022828.5 (MANE Select); 8 bases into the intron before coding-DNA position 676, T replaced by C.
Molecular consequence: intron variant.
Genome position (GRCh38, 1-based): chr5:113,532,871, T>C. VCF-style: chr5-113532871-T-C. GRCh37 (hg19) VCF-style: chr5-112868568-T-C.
Other names: c.190-8T>C (NM_001345975.2); c.-225-8T>C (NM_001345976.2).
Identifiers: ClinVar variation 3057618 (VCV003057618.2), dbSNP rs1289395774, ClinGen allele CA562218210.
Genomic context (GRCh38, chr5:113,532,871, plus strand): 5'-TTGATTCACTTAGATTTTTTGTATTATGTGATCATGTCATCTTACAGTTTTTAAAACTTT[T>C]GTTTCAGATTCCTCAGTTCCTTTTAGATGATTGCTTTAAAAATGGTATCCCCTGCCGTAT-3'

ClinVar aggregate classification (germline): Likely benign (0 of 4 stars; one submission).

Conditions:
YTHDC2-related disorder. Also called: YTHDC2-related condition.

Allele frequency attached by ClinVar (database versions not stated): gnomAD 0.00001; gnomAD exomes 0.00001.

Submission:

PreventionGenetics, part of Exact Sciences
Classification: Likely benign for YTHDC2-related condition. Last evaluated: 2019-04-05. Review status: no assertion criteria provided. Collection method: clinical testing. Allele origin: germline.
Comment: This variant is classified as likely benign based on ACMG/AMP sequence variant interpretation guidelines (Richards et al. 2015 PMID: 25741868, with internal and published modifications).